The following is an entry in ClinVar:

ClinVar aggregate classification (germline): Uncertain significance (1 of 4 stars; one submission).

Submission:

Labcorp Genetics (formerly Invitae), Labcorp
Classification: Uncertain significance. Last evaluated: 2026-01-02. Review status: criteria provided, single submitter. Criteria: Invitae Variant Classification Sherloc (09022015). Collection method: clinical testing. Allele origin: germline.
Comment: This sequence change replaces proline, which is neutral and non-polar, with serine, which is neutral and polar, at codon 2316 of the CHD8 protein (p.Pro2316Ser). This variant is not present in population databases (gnomAD no frequency). This variant has not been reported in the literature in individuals affected with CHD8-related conditions. Invitae Evidence Modeling of protein sequence and biophysical properties (such as structural, functional, and spatial information, amino acid conservation, physicochemical variation, residue mobility, and thermodynamic stability) indicates that this missense variant is not expected to disrupt CHD8 protein function with a negative predictive value of 95%. In summary, the available evidence is currently insufficient to determine the role of this variant in disease. Therefore, it has been classified as a Variant of Uncertain Significance.

NM_001170629.2(CHD8):c.6946C>T (p.Pro2316Ser)

Genes: CHD8 (chromodomain helicase DNA binding protein 8; minus strand), LOC126861888 (CDK7 strongly-dependent group 2 enhancer GRCh37_chr14:21859227-21860426; plus strand). Cytogenetic location: 14q11.2.
Variant type: single nucleotide variant.
Coding change: c.6946C>T on transcript NM_001170629.2 (MANE Select); coding-DNA position 6946, C replaced by T.
Protein change: p.Pro2316Ser; replaces proline 2316 with serine.
Molecular consequence: missense variant.
Genome position (GRCh38, 1-based): chr14:21,391,582, G>A on the plus strand (C>T on the coding strand, the complement: CHD8 is on the minus strand). VCF-style: chr14-21391582-G-A. GRCh37 (hg19) VCF-style: chr14-21859741-G-A.
Other names: c.6109C>T, p.Pro2037Ser (NM_020920.4); short protein forms P2037S, P2316S.
Identifiers: ClinVar variation 4809146 (VCV004809146.1).